The following is an entry in ClinVar:

NM_007294.4(BRCA1):c.1961del (p.Lys654fs)

Gene: BRCA1 (BRCA1 DNA repair associated; minus strand). Cytogenetic location: 17q21.31.
Variant type: Deletion.
Coding change: c.1961del on transcript NM_007294.4 (MANE Select); coding-DNA position 1961, one base deleted (A; older notation c.1961delA).
Protein change: p.Lys654fs; shifts the reading frame from lysine 654.
Molecular consequence: frameshift variant. On other transcripts: intron variant (137).
Genome position (GRCh38, 1-based): chr17:43,093,570, T deleted on the plus strand (A on the coding strand, the reverse complement: BRCA1 is on the minus strand); the first of 8 consecutive T bases (chr17:43,093,570-43,093,577); deleting any one gives the same sequence. VCF-style (leftmost placement, unchanged base first): chr17-43093569-CT-C. GRCh37 (hg19) VCF-style: chr17-41245586-CT-C.
Other names: 2080delA; c.1961delA (NM_007294.3); c.1961_1961delA (NM_007294.3); c.1958del, p.Lys653fs (NM_001407637.1, NM_001407860.1, NM_001407861.1 and 22 more transcripts); c.1835del, p.Lys612fs (NM_001407649.1, NM_001407670.1, NM_001407671.1 and 11 more transcripts); c.1961del, p.Lys654fs (NM_001407652.1, NM_001407854.1, NM_001407858.1 and 30 more transcripts); c.1883del, p.Lys628fs (NM_001407653.1, NM_001407654.1, NM_001407655.1 and 4 more transcripts); c.1838del, p.Lys613fs (NM_001407669.1, NM_001407674.1, NM_001407675.1 and 19 more transcripts); and 43 more; short protein forms K607fs, K654fs, K486fs, K543fs, K651fs, K565fs, K566fs, K583fs.
Identifiers: ClinVar variation 37438 (VCV000037438.69), dbSNP rs80357522, ClinGen allele CA001306.

ClinVar aggregate classification (germline): Pathogenic. Review status: reviewed by expert panel (3 of 4 stars). 41 submissions from 40 submitters: Pathogenic (1). 40 of the submissions do not count toward it. Last evaluated 2016-04-22.
ClinVar aggregate classification (oncogenicity): Oncogenic (1 of 4 stars; one submission).

Conditions:
Infiltrating duct carcinoma of breast. Also called: Invasive ductal breast carcinoma; Invasive Ductal Carcinoma, Not Otherwise Specified. Identifiers: MedGen C1412014, MONDO:0004953.
BRCA1-related disorder. Also called: BRCA1-related condition.
Fanconi anemia, complementation group S (FANCS). Identifiers: MedGen C4554406, MONDO:0054748, OMIM 617883.
BRCA1-related cancer predisposition. Identifiers: MedGen CN377757, MONDO:0700268.
Breast neoplasm. Also called: Breast Neoplasms; Neoplasm of breast; Breast tumor; Neoplasm of the breast. Identifiers: MedGen C1458155, MeSH D001943, MONDO:0021100, HP:0100013. Disease mechanism: gain of function.
Inherited ovarian cancer (without breast cancer).
Inherited breast cancer and ovarian cancer.
Hereditary cancer-predisposing syndrome. Also called: Neoplastic Syndromes, Hereditary; Hereditary neoplastic syndrome; Hereditary Cancer Syndrome; Tumor predisposition. Identifiers: Orphanet 140162, MedGen C0027672, MeSH D009386, MONDO:0015356.
Hereditary breast ovarian cancer syndrome. Also called: Hereditary breast and ovarian cancer syndrome (HBOC); Breast and ovarian cancer; BRCA1- and BRCA2-Associated Hereditary Breast and Ovarian Cancer; Hereditary breast and ovarian cancer syndrome; Hereditary breast and ovarian cancer; Hereditary breast and/or ovarian cancer syndrome. Identifiers: Orphanet 145, MedGen C0677776, MeSH D061325, MONDO:0003582. Disease mechanism: loss of function.
Breast-ovarian cancer, familial, susceptibility to, 1 (BROVCA1). Also called: BRCA1 Hereditary Breast and Ovarian Cancer; OVARIAN CANCER, SUSCEPTIBILITY TO. Identifiers: Orphanet 145, MedGen C2676676, MONDO:0011450, OMIM 604370. Disease mechanism: loss of function.
Familial cancer of breast. Also called: Hereditary breast cancer; hereditary breast carcinoma; BREAST CANCER, FAMILIAL. Identifiers: Orphanet 227535, MedGen C0346153, MONDO:0016419, OMIM 114480. Disease mechanism: loss of function.
Malignant tumor of breast. Also called: Malignant breast neoplasm; Cancer breast. Identifiers: MedGen C0006142, MONDO:0007254. Disease mechanism: loss of function.
Neoplasm. Also called: tumor; Neoplasms; Neoplasm (disease). Identifiers: MedGen C0027651, MeSH D009369, MONDO:0005070, HP:0002664.

Submissions 1 to 11 of 42:

Evidence-based Network for the Interpretation of Germline Mutant Alleles (ENIGMA)
Classification: Pathogenic for Breast-ovarian cancer, familial, susceptibility to, 1. Last evaluated: 2016-04-22. Review status: reviewed by expert panel. Criteria: ENIGMA BRCA1/2 Classification Criteria (2015). Collection method: curation. Allele origin: germline.
Comment: Variant allele predicted to encode a truncated non-functional protein.

Center for Genomic Medicine, Rigshospitalet, Copenhagen University Hospital
Classification: Oncogenic for Neoplasm. Last evaluated: 2026-10-16. Review status: criteria provided, single submitter. Criteria: ClinGen/CGC/VICC Guidelines for Oncogenicity, 2022. Collection method: clinical testing. Allele origin: somatic. Affected: yes.

CeGaT Center for Human Genetics Tuebingen
Classification: Pathogenic. Last evaluated: 2026-09-01. Review status: criteria provided, single submitter. Criteria: CeGaT Center For Human Genetics Tuebingen Variant Classification Criteria Version 2. Collection method: clinical testing. Allele origin: germline. Affected: yes. Observed: 6 variant alleles. Not counted in ClinVar's aggregate classification.
Comment: BRCA1: PVS1, PM2, PS4:Moderate

Labcorp Genetics (formerly Invitae), Labcorp
Classification: Pathogenic for Hereditary breast ovarian cancer syndrome. Last evaluated: 2025-12-02. Review status: criteria provided, single submitter. Criteria: Invitae Variant Classification Sherloc (09022015). Collection method: clinical testing. Allele origin: germline. Not counted in ClinVar's aggregate classification.
Comment: This sequence change creates a premature translational stop signal (p.Lys654Serfs*47) in the BRCA1 gene. It is expected to result in an absent or disrupted protein product. Loss-of-function variants in BRCA1 are known to be pathogenic (PMID: 20104584). The frequency data for this variant in the population databases is considered unreliable, as metrics indicate poor data quality at this position in the gnomAD database. This premature translational stop signal has been observed in individual(s) with breast, ovarian, and endometrial cancer (PMID: 7493024, 12955716, 17645508, 23633455, 26026974). This variant is also known as 2073delA and 2080delA. ClinVar contains an entry for this variant (Variation ID: 37438). For these reasons, this variant has been classified as Pathogenic.

Genetics Laboratory, Great Ormond Street Hospital NHS Foundation Trust, North Thames Genomic Laboratory Hub
Classification: Pathogenic for Inherited ovarian cancer (without breast cancer). Last evaluated: 2025-08-20. Review status: criteria provided, single submitter. Criteria: CanVIG BRCA Gene Specific V1.22. Collection method: clinical testing. Allele origin: germline. Affected: yes. Not counted in ClinVar's aggregate classification.
Comment: PS4_supporting, PM2_supporting, PVS1_very-strong, PM5_strong

Genetics Laboratory, Great Ormond Street Hospital NHS Foundation Trust, North Thames Genomic Laboratory Hub
Classification: Pathogenic for Inherited breast cancer and ovarian cancer. Last evaluated: 2025-08-20. Review status: criteria provided, single submitter. Criteria: CanVIG BRCA Gene Specific V1.22. Collection method: clinical testing. Allele origin: germline. Affected: yes. Not counted in ClinVar's aggregate classification.
Comment: the same text as in the submission from Genetics Laboratory, Great Ormond Street Hospital NHS Foundation Trust, North Thames Genomic Laboratory Hub above.

Mayo Clinic Laboratories, Mayo Clinic
Classification: Pathogenic. Last evaluated: 2025-08-12. Review status: criteria provided, single submitter. Criteria: ACMG Guidelines, 2015. Collection method: clinical testing. Allele origin: germline. Observed: 2 variant alleles. Not counted in ClinVar's aggregate classification.
Comment: PP4_strong, PM5, PVS1

Center for Genomic Medicine, Rigshospitalet, Copenhagen University Hospital
Classification: Pathogenic. Last evaluated: 2025-03-04. Review status: criteria provided, single submitter. Criteria: ACMG Guidelines, 2015. Collection method: clinical testing. Allele origin: germline. Not counted in ClinVar's aggregate classification.

Color Diagnostics, LLC DBA Color Health
Classification: Pathogenic for Hereditary cancer-predisposing syndrome. Last evaluated: 2025-02-24. Review status: criteria provided, single submitter. Criteria: ACMG Guidelines, 2015. Collection method: clinical testing. Allele origin: germline. Not counted in ClinVar's aggregate classification.
Comment: This variant deletes 1 nucleotide in exon 10 of the BRCA1 gene, creating a frameshift and premature translation stop signal. This variant is also known as 2073delA in the literature. This variant is expected to result in an absent or non-functional protein product. This variant has been observed in over 20 individuals and families affected with breast, ovarian and endometrial cancer (PMID: 7493024, 11179017, 11956590, 14517958, 14760071, 16455195, 17645508, 20727672, 22711857, 22798144, 23479189, 25256238, 28324225, 33471991; Leiden Open Variation Database DB-ID BRCA1_000177) and one individual each affected with prostate cancer (PMID: 31214711) and hemangioblastoma (PMID: 24884479). A multifactorial analysis has reported a likelihood ratio for pathogenicity based on personal and family history of 10147.59 from log(LR)=4.006362915 for 10 carriers (PMID: 31853058). This variant has been identified in 3/282102 chromosomes in the general population by the Genome Aggregation Database (gnomAD). Loss of BRCA1 function is a known mechanism of disease. Based on the available evidence, this variant is classified as Pathogenic.

Blueprint Genetics
Classification: Pathogenic for BRCA1-related disorders. Last evaluated: 2024-10-16. Review status: criteria provided, single submitter. Criteria: ACMG Guidelines, 2015. Collection method: clinical testing. Allele origin: germline. Affected: yes. Observed: 5 variant alleles. Not counted in ClinVar's aggregate classification.

All of Us Research Program, National Institutes of Health
Classification: Pathogenic for BRCA1-related cancer predisposition. Last evaluated: 2024-09-27. Review status: criteria provided, single submitter. Criteria: ACMG Guidelines, 2015. Collection method: clinical testing. Allele origin: germline. Inheritance: Autosomal dominant inheritance. Observed: 3 variant alleles, 3 heterozygotes. Not counted in ClinVar's aggregate classification.
Comment: The c.1961del variant in the BRCA1 gene is located on the exon 10 and is predicted to cause shift of reading frame which introduces a premature translation termination codon (p.Lys654Serfs*47), resulting in an absent or disrupted protein product. The variant has been reported from multiple individuals with breast and/or ovarian cancer (PMID: 36974006, 37851290, 34290354, 36537080, 25682074, 30606148). The other protein termination codon variants located in the same exon (p.Glu673*, p.Gln640*) have been interpreted as pathogenic (ClinVar ID: 54436, 266201). Loss-of-function variants in the BRCA1 gene are known to cause hereditary breast and ovarian cancer (PMID: 21989022, 11802209, 32375709). This variant has been reported in ClinVar as pathogenic by the expert panel (ID: 37438). The variant is rare in the general population according to gnomAD v4.1 (10/1613680). Therefore, the c.1961del (p.Lys654Serfs*47) variant in the BRCA1 gene has been classified as pathogenic.

This study involves interpretation of variants in research participants for the purpose of population health screening. Participant phenotype was not available at the time of variant classification. Additional details can be found in publication PMID: 35346344, PMCID: PMC8962531